The following is an entry in ClinVar:

NM_000369.5(TSHR):c.1325G>A (p.Ser442Asn)

Genes: TSHR (thyroid stimulating hormone receptor; plus strand), TSHR-AS1 (TSHR antisense RNA 1; minus strand). Cytogenetic location: 14q31.1.
Variant type: single nucleotide variant.
Coding change: c.1325G>A on transcript NM_000369.5 (MANE Select); coding-DNA position 1325, G replaced by A.
Protein change: p.Ser442Asn; replaces serine 442 with asparagine.
Molecular consequence: missense variant.
Genome position (GRCh38, 1-based): chr14:81,143,383, G>A. VCF-style: chr14-81143383-G-A. GRCh37 (hg19) VCF-style: chr14-81609727-G-A.
Other names: short protein forms S442N.
Identifiers: ClinVar variation 4883016 (VCV004883016.2).

ClinVar aggregate classification (germline): Uncertain significance (1 of 4 stars; one submission).

Submission:

Dasa
Classification: Uncertain significance. Last evaluated: 2025-07-23. Review status: criteria provided, single submitter. Criteria: DASA Assertion Criteria. Collection method: clinical testing. Allele origin: germline.
Comment: NM_000369.5(TSHR):c.1325G>A (p.Ser442Asn) is a missense variant that results in the substitution of serine with asparagine. The affected residue or protein region has prior evidence supporting clinical relevance. This variant is absent from population databases. The currently available literature and clinical evidence are not sufficient to establish a definitive association between this variant and the reported condition. Therefore, this variant is classified as a variant of uncertain significance.